The following is an entry in ClinVar:

NM_058216.3(RAD51C):c.391A>C (p.Lys131Gln)

Gene: RAD51C (RAD51 paralog C; plus strand). Cytogenetic location: 17q22.
Variant type: single nucleotide variant.
Coding change: c.391A>C on transcript NM_058216.3 (MANE Select); coding-DNA position 391, A replaced by C.
Protein change: p.Lys131Gln; replaces lysine 131 with glutamine.
Molecular consequence: missense variant. On other transcripts: non-coding transcript variant (2).
Genome position (GRCh38, 1-based): chr17:58,695,176, A>C. VCF-style: chr17-58695176-A-C. GRCh37 (hg19) VCF-style: chr17-56772537-A-C.
Other names: c.391A>C, p.Lys131Gln (NM_002876.4); short protein forms K131Q.
Identifiers: ClinVar variation 1365945 (VCV001365945.9), dbSNP rs2143727680, ClinGen allele CA400341976.

ClinVar aggregate classification (germline): Conflicting classifications of pathogenicity. Review status: criteria provided, conflicting classifications (1 of 4 stars). 2 submissions from 2 submitters: Likely pathogenic (1); Uncertain significance (1). Last evaluated 2024-12-26.

Conditions:
Breast-ovarian cancer, familial, susceptibility to, 3. Also called: RAD51C-Related Breast/Ovarian Cancer. Identifiers: Orphanet 145, MedGen C3150659, MONDO:0013253, OMIM 613399.
Fanconi anemia complementation group O. Also called: RAD51C-Related Fanconi Anemia. Identifiers: Orphanet 84, MedGen C3150653, MONDO:0013248, OMIM 613390.

Submissions (2):

Myriad Genetics, Inc.
Classification: Likely pathogenic for Breast-ovarian cancer, familial, susceptibility to, 3. Last evaluated: 2024-12-26. Review status: criteria provided, single submitter. Criteria: Myriad Autosomal Dominant, Autosomal Recessive and X-Linked Classification Criteria (2023). Collection method: clinical testing. Allele origin: unknown.
Comment: This variant is considered likely pathogenic. Functional studies indicate this variant impacts protein function [PMID: 39299233, 37253112]. This variant is expected to disrupt protein structure [Myriad internal data].

Labcorp Genetics (formerly Invitae), Labcorp
Classification: Uncertain significance for Fanconi anemia complementation group O. Last evaluated: 2021-07-05. Review status: criteria provided, single submitter. Criteria: Invitae Variant Classification Sherloc (09022015). Collection method: clinical testing. Allele origin: germline.
Comment: In summary, the available evidence is currently insufficient to determine the role of this variant in disease. Therefore, it has been classified as a Variant of Uncertain Significance. Algorithms developed to predict the effect of missense changes on protein structure and function (SIFT, PolyPhen-2, Align-GVGD) all suggest that this variant is likely to be disruptive. This variant has not been reported in the literature in individuals affected with RAD51C-related conditions. This variant is not present in population databases (ExAC no frequency). This sequence change replaces lysine with glutamine at codon 131 of the RAD51C protein (p.Lys131Gln). The lysine residue is highly conserved and there is a small physicochemical difference between lysine and glutamine.

Literature cited by the submitters: PubMed 39299233 (cited by Myriad Genetics, Inc.); PubMed 37253112 (cited by Myriad Genetics, Inc.).